The following is an entry in ClinVar:

NM_020717.5(SHROOM4):c.954_965del (p.Ala319_Pro322del)

Gene: SHROOM4 (shroom family member 4; minus strand). Cytogenetic location: Xp11.22.
Variant type: Deletion.
Coding change: c.954_965del on transcript NM_020717.5 (MANE Select); coding-DNA positions 954 to 965, 12 bases deleted (CGCAAGGAACCC).
Protein change: p.Ala319_Pro322del.
Molecular consequence: inframe deletion. On other transcripts: non-coding transcript variant (4).
Genome position (GRCh38, 1-based): chrX:50,635,108-50,635,119, GGGTTCCTTGCG deleted on the plus strand (CGCAAGGAACCC on the coding strand, the reverse complement: SHROOM4 is on the minus strand); deleting any 12 consecutive bases within chrX:50,635,108-50,635,121 gives the same sequence; the c. name uses the placement nearest the transcript's 3' end. VCF-style (leftmost placement, unchanged base first): chrX-50635107-AGGGTTCCTTGCG-A. GRCh37 (hg19) VCF-style: chrX-50378107-AGGGTTCCTTGCG-A.
Identifiers: ClinVar variation 2629195 (VCV002629195.1), dbSNP rs782168271, ClinGen allele CA10416301.

ClinVar aggregate classification (germline): Uncertain significance (1 of 4 stars; one submission).

Conditions:
SHROOM4-related disorder. Also called: SHROOM4-related condition.

Submission:

PreventionGenetics, part of Exact Sciences
Classification: Uncertain significance for SHROOM4-related condition. Last evaluated: 2022-12-22. Review status: criteria provided, single submitter. Criteria: ACMG Guidelines, 2015. Collection method: clinical testing. Allele origin: germline.
Comment: The SHROOM4 c.954_965del12 variant is predicted to result in an in-frame deletion (p.Ala319_Pro322del). To our knowledge, this variant has not been reported in the literature. This variant is reported in 0.042% of alleles in individuals of African descent in gnomAD. Although we suspect that this variant may be benign, at this time, the clinical significance of this variant is uncertain due to the absence of conclusive functional and genetic evidence.